The following is an entry in ClinVar:

ClinVar aggregate classification (germline): Conflicting classifications of pathogenicity. Review status: criteria provided, conflicting classifications (1 of 4 stars). 4 submissions from 4 submitters: Uncertain significance (3); Likely benign (1). Last evaluated 2025-09-02.

Conditions:
Cardiovascular phenotype. Identifiers: MedGen CN230736.
Cardiomyopathy (CMYO). Also called: Cardiomyopathies. Identifiers: Orphanet 167848, MedGen C0878544, MONDO:0004994, HP:0001638. Inheritance: Various modes of inheritance.
Catecholaminergic polymorphic ventricular tachycardia 1. Also called: RYR2-Related Catecholaminergic Polymorphic Ventricular Tachycardia; VENTRICULAR TACHYCARDIA, STRESS-INDUCED POLYMORPHIC 1; VENTRICULAR TACHYCARDIA, CATECHOLAMINERGIC POLYMORPHIC, 1, WITH OR WITHOUT ATRIAL DYSFUNCTION AND/OR DILATED CARDIOMYOPATHY. Identifiers: Orphanet 3286, MedGen C1631597, MONDO:0011484, OMIM 604772.

Allele frequency attached by ClinVar (database versions not stated): gnomAD exomes below 0.00001; ExAC 0.00001.

Submissions (4):

Labcorp Genetics (formerly Invitae), Labcorp
Classification: Uncertain significance for Catecholaminergic polymorphic ventricular tachycardia 1. Last evaluated: 2025-09-02. Review status: criteria provided, single submitter. Criteria: Invitae Variant Classification Sherloc (09022015). Collection method: clinical testing. Allele origin: germline.
Comment: This sequence change replaces aspartic acid, which is acidic and polar, with asparagine, which is neutral and polar, at codon 3733 of the RYR2 protein (p.Asp3733Asn). This variant is present in population databases (rs760307737, gnomAD 0.0009%). This missense change has been observed in individual(s) with clinical features of RYR2-related conditions (PMID: 32152366). ClinVar contains an entry for this variant (Variation ID: 220973). Invitae Evidence Modeling of protein sequence and biophysical properties (such as structural, functional, and spatial information, amino acid conservation, physicochemical variation, residue mobility, and thermodynamic stability) indicates that this missense variant is not expected to disrupt RYR2 protein function with a negative predictive value of 95%. In summary, the available evidence is currently insufficient to determine the role of this variant in disease. Therefore, it has been classified as a Variant of Uncertain Significance.

Blueprint Genetics
Classification: Uncertain significance. Last evaluated: 2024-08-07. Review status: criteria provided, single submitter. Criteria: ACMG Guidelines, 2015. Collection method: clinical testing. Allele origin: germline.

Color Diagnostics, LLC DBA Color Health
Classification: Uncertain significance for Cardiomyopathy. Last evaluated: 2024-01-09. Review status: criteria provided, single submitter. Criteria: ACMG Guidelines, 2015. Collection method: clinical testing. Allele origin: germline.
Comment: This missense variant replaces aspartic acid with asparagine at codon 3733 of the RYR2 protein. Computational prediction suggests that this variant may not impact protein structure and function (internally defined REVEL score threshold <= 0.5, PMID: 27666373). To our knowledge, functional studies have not been reported for this variant. This variant has not been reported in individuals affected with cardiovascular disorders in the literature. This variant has been identified in 1/248642 chromosomes in the general population by the Genome Aggregation Database (gnomAD). The available evidence is insufficient to determine the role of this variant in disease conclusively. Therefore, this variant is classified as a Variant of Uncertain Significance.

Ambry Genetics
Classification: Likely benign for Cardiovascular phenotype. Last evaluated: 2023-10-25. Review status: criteria provided, single submitter. Criteria: Ambry Variant Classification Scheme 2023. Collection method: clinical testing. Allele origin: germline.

Literature cited by the submitters: PubMed 32152366 (cited by Labcorp Genetics (formerly Invitae), Labcorp).

NM_001035.3(RYR2):c.11197G>A (p.Asp3733Asn)

Gene: RYR2 (ryanodine receptor 2; plus strand). Cytogenetic location: 1q43.
Variant type: single nucleotide variant.
Coding change: c.11197G>A on transcript NM_001035.3 (MANE Select); coding-DNA position 11197, G replaced by A.
Protein change: p.Asp3733Asn; replaces aspartic acid 3733 with asparagine.
Molecular consequence: missense variant.
Genome position (GRCh38, 1-based): chr1:237,756,339, G>A. VCF-style: chr1-237756339-G-A. GRCh37 (hg19) VCF-style: chr1-237919639-G-A.
Other names: c.11197G>A, p.Asp3733Asn (LRG_402t1); short protein forms D3733N.
Identifiers: ClinVar variation 220973 (VCV000220973.15), dbSNP rs760307737, ClinGen allele CA084805.